The following is an entry in ClinVar:

NM_015141.4(GPD1L):c.245G>T (p.Ser82Ile)

Gene: GPD1L (glycerol-3-phosphate dehydrogenase 1 like; plus strand). Cytogenetic location: 3p22.3.
Variant type: single nucleotide variant.
Coding change: c.245G>T on transcript NM_015141.4 (MANE Select); coding-DNA position 245, G replaced by T.
Protein change: p.Ser82Ile; replaces serine 82 with isoleucine.
Molecular consequence: missense variant.
Genome position (GRCh38, 1-based): chr3:32,138,606, G>T. VCF-style: chr3-32138606-G-T. GRCh37 (hg19) VCF-style: chr3-32180098-G-T.
Other names: short protein forms S82I.
Identifiers: ClinVar variation 241020 (VCV000241020.7), dbSNP rs878855004, ClinGen allele CA10582149.
Genomic context (GRCh38, chr3:32,138,606, plus strand): 5'-ATATAAGAGGAGAAACGGTCTTCTCTGCCTTTTGGTTGCAGGTTGCCATGTCAAATCTTA[G>T]CGAGGCTGTGCAGGATGCAGACCTGCTGGTGTTTGTCATTCCCCACCAGTTCATTCACAG-3'
Protein context (NP_055956.1, residues 72-92): PENVVAMSNL[Ser82Ile]EAVQDADLLV

ClinVar aggregate classification (germline): Uncertain significance (1 of 4 stars; one submission).

Conditions:
Brugada syndrome. Also called: Sudden unexpected nocturnal death syndrome; Sudden unexplained nocturnal death syndrome; Sudden Unexplained Death Syndrome; Sudden Unexplained Nocturnal Death Syndrome (SUNDS). Identifiers: Orphanet 130, MedGen C1142166, MONDO:0015263.

Submission:

Labcorp Genetics (formerly Invitae), Labcorp
Classification: Uncertain significance for Brugada syndrome. Last evaluated: 2022-03-03. Review status: criteria provided, single submitter. Criteria: Invitae Variant Classification Sherloc (09022015). Collection method: clinical testing. Allele origin: germline.
Comment: This variant is not present in population databases (gnomAD no frequency). This sequence change replaces serine, which is neutral and polar, with isoleucine, which is neutral and non-polar, at codon 82 of the GPD1L protein (p.Ser82Ile). This variant has not been reported in the literature in individuals affected with GPD1L-related conditions. In summary, the available evidence is currently insufficient to determine the role of this variant in disease. Therefore, it has been classified as a Variant of Uncertain Significance. Algorithms developed to predict the effect of missense changes on protein structure and function (SIFT, PolyPhen-2, Align-GVGD) all suggest that this variant is likely to be tolerated. ClinVar contains an entry for this variant (Variation ID: 241020).